The following is an entry in ClinVar:

ClinVar aggregate classification (germline): Pathogenic (1 of 4 stars; one submission).

Submission:

CeGaT Center for Human Genetics Tuebingen
Classification: Pathogenic. Last evaluated: 2026-02-01. Review status: criteria provided, single submitter. Criteria: CeGaT Center For Human Genetics Tuebingen Variant Classification Criteria Version 2. Collection method: clinical testing. Allele origin: germline. Affected: yes. Observed: 1 variant allele.
Comment: ACAN: PVS1, PM2

NM_001369268.1(ACAN):c.1729dup (p.Glu577fs)

Gene: ACAN (aggrecan; plus strand). Cytogenetic location: 15q26.1.
Variant type: Duplication.
Coding change: c.1729dup on transcript NM_001369268.1 (MANE Select); coding-DNA position 1729, one base duplicated (G; older notation c.1729dupG).
Protein change: p.Glu577fs; shifts the reading frame from glutamic acid 577.
Molecular consequence: frameshift variant.
Genome position (GRCh38, 1-based): chr15:88,848,035, G duplicated. VCF-style (leftmost placement, unchanged base first): chr15-88848034-T-TG. GRCh37 (hg19) VCF-style: chr15-89391265-T-TG.
Other names: c.1729dup, p.Glu577fs (NM_001135.4, NM_001411096.1, NM_001411097.1 and 1 more transcripts); short protein forms E577fs.
Identifiers: ClinVar variation 4822781 (VCV004822781.4).